The following is an entry in ClinVar:

ClinVar aggregate classification (germline): Uncertain significance (1 of 4 stars; one submission).

Conditions:
Hereditary pheochromocytoma and paraganglioma. Also called: Hereditary paragangliomas and pheochromocytomas; Hereditary Paraganglioma-Pheochromocytoma Syndromes; Hereditary pheochromocytoma-paraganglioma. Identifiers: Orphanet 29072, MedGen C4274332, MONDO:0017366.

Submission:

Labcorp Genetics (formerly Invitae), Labcorp
Classification: Uncertain significance for Hereditary pheochromocytoma and paraganglioma. Last evaluated: 2024-02-11. Review status: criteria provided, single submitter. Criteria: Invitae Variant Classification Sherloc (09022015). Collection method: clinical testing. Allele origin: germline.
Comment: This variant, c.207_209del, is a complex sequence change that results in the deletion of 2 and insertion of 1 amino acid(s) in the MAX protein (p.Glu69_Tyr70delinsAsp). This variant is not present in population databases (gnomAD no frequency). This variant has not been reported in the literature in individuals affected with MAX-related conditions. Experimental studies and prediction algorithms are not available or were not evaluated, and the functional significance of this variant is currently unknown. In summary, the available evidence is currently insufficient to determine the role of this variant in disease. Therefore, it has been classified as a Variant of Uncertain Significance.

NM_002382.5(MAX):c.207_209del (p.Glu69_Tyr70delinsAsp)

Gene: MAX (MYC associated transcriptional regulator X; minus strand). Cytogenetic location: 14q23.3.
Variant type: Deletion.
Coding change: c.207_209del on transcript NM_002382.5 (MANE Select); coding-DNA positions 207 to 209, 3 bases deleted (ATA; older notation c.207_209delATA).
Protein change: p.Glu69_Tyr70delinsAsp.
Molecular consequence: inframe indel. On other transcripts: non-coding transcript variant (7), intron variant (2), 5 prime UTR variant (6).
Genome position (GRCh38, 1-based): chr14:65,077,999-65,078,001, TAT deleted on the plus strand (ATA on the coding strand, the reverse complement: MAX is on the minus strand); deleting any 3 consecutive bases within chr14:65,077,999-65,078,002 gives the same sequence; the c. name uses the placement nearest the transcript's 3' end. VCF-style (leftmost placement, unchanged base first): chr14-65077998-ATAT-A. GRCh37 (hg19) VCF-style: chr14-65544716-ATAT-A.
Other names: c.144+15707_144+15709del (NM_001271069.2); c.171+15707_171+15709del (NM_197957.4); c.-68_-66del (NM_001320415.2, NM_001407105.1, NM_001407106.1 and 1 more transcripts); c.207_209del, p.Glu69_Tyr70delinsAsp (NM_001407094.1, NM_001407096.1, NM_001407097.1 and 3 more transcripts); c.180_182del, p.Glu60_Tyr61delinsAsp (NM_001407095.1, NM_001407099.1, NM_001407100.1 and 6 more transcripts); c.99_101del, p.Glu33_Tyr34delinsAsp (NM_001407098.1); c.-161_-159del (NM_001407111.1, NM_001407112.1).
Identifiers: ClinVar variation 3640101 (VCV003640101.2).